The following is an entry in ClinVar:

ClinVar aggregate classification (germline): Uncertain significance (1 of 4 stars; one submission).

Allele frequency attached by ClinVar (database versions not stated): gnomAD exomes below 0.00001; gnomAD 0.00004.
gnomAD v4.1: 7 of 1,549,874 alleles (0.00045%); highest among the groups gnomAD compares: Non-Finnish European, 0.00061%; no homozygotes.

Submission:

Labcorp Genetics (formerly Invitae), Labcorp
Classification: Uncertain significance. Last evaluated: 2021-12-19. Review status: criteria provided, single submitter. Criteria: Invitae Variant Classification Sherloc (09022015). Collection method: clinical testing. Allele origin: germline.
Comment: This sequence change replaces glycine, which is neutral and non-polar, with arginine, which is basic and polar, at codon 353 of the ZNF469 protein (p.Gly353Arg). This variant is present in population databases (no rsID available, gnomAD 0.05%). This variant has not been reported in the literature in individuals affected with ZNF469-related conditions. Algorithms developed to predict the effect of missense changes on protein structure and function output the following: SIFT: "Deleterious"; PolyPhen-2: "Possibly Damaging"; Align-GVGD: "Class C0". The arginine amino acid residue is found in multiple mammalian species, which suggests that this missense change does not adversely affect protein function. In summary, the available evidence is currently insufficient to determine the role of this variant in disease. Therefore, it has been classified as a Variant of Uncertain Significance.

NM_001367624.2(ZNF469):c.1057G>C (p.Gly353Arg)

Gene: ZNF469 (zinc finger protein 469; plus strand). Cytogenetic location: 16q24.2.
Variant type: single nucleotide variant.
Coding change: c.1057G>C on transcript NM_001367624.2 (MANE Select); coding-DNA position 1057, G replaced by C.
Protein change: p.Gly353Arg; replaces glycine 353 with arginine.
Molecular consequence: missense variant.
Genome position (GRCh38, 1-based): chr16:88,428,527, G>C. VCF-style: chr16-88428527-G-C. GRCh37 (hg19) VCF-style: chr16-88494935-G-C.
Other names: short protein forms G353R.
Identifiers: ClinVar variation 2049483 (VCV002049483.4), dbSNP rs1292891188, ClinGen allele CA397062933.